The following is an entry in ClinVar:

NM_001563.4(IMPG1):c.332G>A (p.Arg111Gln)

Gene: IMPG1 (interphotoreceptor matrix proteoglycan 1; minus strand). Cytogenetic location: 6q14.1.
Variant type: single nucleotide variant.
Coding change: c.332G>A on transcript NM_001563.4 (MANE Select); coding-DNA position 332, G replaced by A.
Protein change: p.Arg111Gln; replaces arginine 111 with glutamine.
Molecular consequence: missense variant.
Genome position (GRCh38, 1-based): chr6:76,034,757, C>T on the plus strand (G>A on the coding strand, the complement: IMPG1 is on the minus strand). VCF-style: chr6-76034757-C-T. GRCh37 (hg19) VCF-style: chr6-76744474-C-T.
Other names: c.332G>A (NM_001563.2); c.98G>A, p.Arg33Gln (NM_001282368.2); short protein forms R111Q, R33Q.
Identifiers: ClinVar variation 1054275 (VCV001054275.13), dbSNP rs200194885, ClinGen allele CA3898568.
Genomic context (GRCh38, chr6:76,034,757, plus strand): 5'-TGGCAGATGCTGACCCAGTCCTGATATTCCCCTGTGTCAGGGATGCGATCCAGAAAGATC[C>T]GATATGCTTCCCATACTGCTTCCTGACACACTGTAATACAGAGTCATTAATGGCCATGCC-3'
Protein context (NP_001554.2, residues 101-121): VCQEAVWEAY[Arg111Gln]IFLDRIPDTG

ClinVar aggregate classification (germline): Uncertain significance. Review status: criteria provided, multiple submitters, no conflicts (2 of 4 stars). 4 submissions from 4 submitters: Uncertain significance (4). Last evaluated 2026-03-13.

Conditions:
Vitelliform macular dystrophy 4. Identifiers: Orphanet 99000, MedGen C4015342, MONDO:0014508, OMIM 616151.
IMPG1-related disorder. Also called: IMPG1-related condition.

Allele frequency attached by ClinVar (database versions not stated): gnomAD 0.00002; TOPMed 0.00003.
gnomAD v4.1: 66 of 1,613,918 alleles (0.0041%); highest among the groups gnomAD compares: Middle Eastern, 0.033%; no homozygotes.

Submissions (4):

PreventionGenetics, part of Exact Sciences
Classification: Uncertain significance for IMPG1-related condition. Last evaluated: 2026-03-13. Review status: criteria provided, single submitter. Criteria: ACMG Guidelines, 2015. Collection method: clinical testing. Allele origin: germline.
Comment: The IMPG1 c.332G>A variant is predicted to result in the amino acid substitution p.Arg111Gln. To our knowledge, this variant has not been reported in the literature. This variant is reported in 0.0097% of alleles in individuals of Ashkenazi Jewish descent in gnomAD. At this time, the clinical significance of this variant is uncertain due to the absence of conclusive functional and genetic evidence.

Labcorp Genetics (formerly Invitae), Labcorp
Classification: Uncertain significance. Last evaluated: 2025-01-27. Review status: criteria provided, single submitter. Criteria: Invitae Variant Classification Sherloc (09022015). Collection method: clinical testing. Allele origin: germline.
Comment: This sequence change replaces arginine, which is basic and polar, with glutamine, which is neutral and polar, at codon 111 of the IMPG1 protein (p.Arg111Gln). This variant is present in population databases (rs200194885, gnomAD 0.01%). This variant has not been reported in the literature in individuals affected with IMPG1-related conditions. ClinVar contains an entry for this variant (Variation ID: 1054275). An algorithm developed to predict the effect of missense changes on protein structure and function outputs the following: PolyPhen-2: "Probably Damaging". The glutamine amino acid residue is found in multiple mammalian species, which suggests that this missense change does not adversely affect protein function. In summary, the available evidence is currently insufficient to determine the role of this variant in disease. Therefore, it has been classified as a Variant of Uncertain Significance.

Blueprint Genetics
Classification: Uncertain significance. Last evaluated: 2024-07-17. Review status: criteria provided, single submitter. Criteria: ACMG Guidelines, 2015. Collection method: clinical testing. Allele origin: germline.

Ambry Genetics
Classification: Uncertain significance. Last evaluated: 2024-05-08. Review status: criteria provided, single submitter. Criteria: Ambry Variant Classification Scheme 2023. Collection method: clinical testing. Allele origin: germline.